The following is an entry in ClinVar:

NM_001256317.3(TMPRSS3):c.1126G>A (p.Gly376Ser)

Gene: TMPRSS3 (transmembrane serine protease 3; minus strand). Cytogenetic location: 21q22.3.
Variant type: single nucleotide variant.
Coding change: c.1126G>A on transcript NM_001256317.3 (MANE Select); coding-DNA position 1126, G replaced by A.
Protein change: p.Gly376Ser; replaces glycine 376 with serine.
Molecular consequence: missense variant.
Genome position (GRCh38, 1-based): chr21:42,376,606, C>T on the plus strand (G>A on the coding strand, the complement: TMPRSS3 is on the minus strand). VCF-style: chr21-42376606-C-T. GRCh37 (hg19) VCF-style: chr21-43796715-C-T.
Other names: c.1129G>A, p.Gly377Ser (NM_024022.4); c.748G>A, p.Gly250Ser (NM_032404.3); c.1129G>A (NM_024022.3, NM_024022.2); short protein forms G377S, G376S, G250S.
Identifiers: ClinVar variation 501579 (VCV000501579.49), dbSNP rs371448615, ClinGen allele CA10042335.
Genomic context (GRCh38, chr21:42,376,606, plus strand): 5'-AGCTGTCCACGCCACCCGTCAGGTAGCCCGCGCAGAGCATGGAGGGGGAGATGATGCCAC[C>T]GTACACGTCCCTGTGGTTGCAGATCTTGTTGGAAATCAAAGGGACGGCCGCGTGGTTCAG-3'
Protein context (NP_001243246.1, residues 366-386): NKICNHRDVY[Gly376Ser]GIISPSMLCA

ClinVar aggregate classification (germline): Uncertain significance. Review status: criteria provided, multiple submitters, no conflicts (2 of 4 stars). 5 submissions from 5 submitters: Uncertain significance (5). Last evaluated 2025-05-13.

Conditions:
Autosomal recessive nonsyndromic hearing loss 8 (DFNB8). Also called: NEUROSENSORY NONSYNDROMIC RECESSIVE DEAFNESS 8; Deafness, autosomal recessive 10. Identifiers: Orphanet 90636, MedGen C1832827, MONDO:0010987, OMIM 601072.

Allele frequency attached by ClinVar (database versions not stated): ExAC 0.00010; gnomAD exomes 0.00010; gnomAD 0.00011; TOPMed 0.00017; ESP Exome Variant Server 0.00023.
gnomAD v4.1: 134 of 1,614,032 alleles (0.0083%); highest among the groups gnomAD compares: Middle Eastern, 0.033%; no homozygotes.

Submissions (5):

Women's Health and Genetics/Laboratory Corporation of America, LabCorp
Classification: Uncertain significance. Last evaluated: 2025-05-13. Review status: criteria provided, single submitter. Criteria: LabCorp Variant Classification Summary - May 2015. Collection method: clinical testing. Allele origin: germline.
Comment: Variant summary: TMPRSS3 c.1129G>A (p.Gly377Ser) results in a non-conservative amino acid change in the encoded protein sequence. Algorithms developed to predict the effect of missense changes on protein structure and function all suggest that this variant is likely to be disruptive. The variant allele was found at a frequency of 0.0001 in 251372 control chromosomes. This frequency is not significantly higher than estimated for a pathogenic variant in TMPRSS3 causing Deafness, Autosomal Recessive 8, allowing no conclusion about variant significance. c.1129G>A has been observed in the homozygous state in an individual affected with deafness and in the heterozygous state in a second individual with deafness who also carried variants in other hearing loss-related genes (Colbert_2024, Bademci_2016). These data indicate that the variant may be associated with disease. To our knowledge, no experimental evidence demonstrating an impact on protein function has been reported. This variant is also known as c.1126G>A (p.G376S). The following publications have been ascertained in the context of this evaluation (PMID: 26226137, 38691166).ClinVar contains an entry for this variant (Variation ID: 501579). Based on the evidence outlined above, the variant was classified as VUS-possibly pathogenic.

GeneDx
Classification: Uncertain significance. Last evaluated: 2024-12-30. Review status: criteria provided, single submitter. Criteria: GeneDx Variant Classification Process June 2021. Collection method: clinical testing. Allele origin: germline. Affected: yes.
Comment: In silico analysis indicates that this missense variant does not alter protein structure/function; This variant is associated with the following publications: (PMID: 31264897, 34426522, 26226137)

CeGaT Center for Human Genetics Tuebingen
Classification: Uncertain significance. Last evaluated: 2020-05-01. Review status: criteria provided, single submitter. Criteria: CeGaT Center For Human Genetics Tuebingen Variant Classification Criteria Version 2. Collection method: clinical testing. Allele origin: germline. Affected: yes. Observed: 1 variant allele.

Revvity Omics, Revvity
Classification: Uncertain significance for Autosomal recessive nonsyndromic hearing loss 8. Last evaluated: 2019-02-07. Review status: criteria provided, single submitter. Criteria: ACMG Guidelines, 2015. Collection method: clinical testing. Allele origin: germline.

Eurofins Ntd Llc (ga)
Classification: Uncertain significance. Last evaluated: 2017-04-28. Review status: criteria provided, single submitter. Criteria: EGL Classification Definitions 2015. Collection method: clinical testing. Allele origin: germline. Observed: 1 variant allele, 1 heterozygote.

Literature cited by the submitters: PubMed 26226137 (cited by Women's Health and Genetics/Laboratory Corporation of America, LabCorp); PubMed 38691166 (cited by Women's Health and Genetics/Laboratory Corporation of America, LabCorp).